The following is an entry in ClinVar:

NM_015450.3(POT1):c.779G>A (p.Ser260Asn)

Gene: POT1 (protection of telomeres 1; minus strand). Cytogenetic location: 7q31.33.
Variant type: single nucleotide variant.
Coding change: c.779G>A on transcript NM_015450.3 (MANE Select); coding-DNA position 779, G replaced by A.
Protein change: p.Ser260Asn; replaces serine 260 with asparagine.
Molecular consequence: missense variant. On other transcripts: non-coding transcript variant (3).
Genome position (GRCh38, 1-based): chr7:124,853,062, C>T on the plus strand (G>A on the coding strand, the complement: POT1 is on the minus strand). VCF-style: chr7-124853062-C-T. GRCh37 (hg19) VCF-style: chr7-124493116-C-T.
Other names: c.386G>A, p.Ser129Asn (NM_001042594.2); short protein forms S260N, S129N.
Identifiers: ClinVar variation 541857 (VCV000541857.13), dbSNP rs1323715274, ClinGen allele CA369055496.
Genomic context (GRCh38, chr7:124,853,062, plus strand): 5'-TCTGGCAAGACCCTGATTCCCCGACCGTAACTGGTACCTCCATGAAGATGAAACTCTAAA[C>T]TTAACATTGTCTGATTCTCTGAATTCATTGATTGAAGTTTGGTATGAAGGCTATAGATTC-3'
Protein context (NP_056265.2, residues 250-270): SMNSENQTML[Ser260Asn]LEFHLHGGTS

ClinVar aggregate classification (germline): Conflicting classifications of pathogenicity. Review status: criteria provided, conflicting classifications (1 of 4 stars). 3 submissions from 3 submitters: Uncertain significance (2); Likely benign (1). Last evaluated 2024-07-22.

Conditions:
Tumor predisposition syndrome 3 (TPDS3). Also called: Glioma susceptibility 9; LONG TELOMERE SYNDROME, POT1-RELATED; POT1 Tumor Predisposition; Melanoma, cutaneous malignant, susceptibility to, 10. Identifiers: Orphanet 618, MedGen C4014476, MONDO:0014368, OMIM 615848.
Hereditary cancer-predisposing syndrome. Also called: Hereditary Cancer Syndrome; Neoplastic Syndromes, Hereditary; Hereditary neoplastic syndrome; Tumor predisposition. Identifiers: Orphanet 140162, MedGen C0027672, MeSH D009386, MONDO:0015356.

gnomAD v4.1: 1 of 1,611,082 alleles (0.000062%); highest among the groups gnomAD compares: Non-Finnish European, 0.000085%; no homozygotes.

Submissions (3):

Ambry Genetics
Classification: Likely benign for Hereditary cancer-predisposing syndrome. Last evaluated: 2024-07-22. Review status: criteria provided, single submitter. Criteria: Ambry Variant Classification Scheme 2023. Collection method: clinical testing. Allele origin: germline.

St. Jude Molecular Pathology, St. Jude Children's Research Hospital
Classification: Uncertain significance for Tumor predisposition syndrome 3. Last evaluated: 2024-05-15. Review status: criteria provided, single submitter. Criteria: St. Jude Assertion Criteria 2020. Collection method: clinical testing. Allele origin: germline.
Comment: The POT1 c.779G>A (p.Ser260Asn) missense change is absent in gnomAD v2.1.1. The in silico tool REVEL predicts a benign effect on protein function, but this prediction has not been confirmed by functional studies. This variant has not been reported as pathogenic in individuals with POT1-associated conditions. In summary, the evidence currently available is insufficient to determine the clinical significance of this variant. It has therefore been classified as of uncertain significance.

Labcorp Genetics (formerly Invitae), Labcorp
Classification: Uncertain significance for Tumor predisposition syndrome 3. Last evaluated: 2017-09-06. Review status: criteria provided, single submitter. Criteria: Invitae Variant Classification Sherloc (09022015). Collection method: clinical testing. Allele origin: germline.
Comment: This variant is not present in population databases (ExAC no frequency). This sequence change replaces serine with asparagine at codon 260 of the POT1 protein (p.Ser260Asn). The serine residue is weakly conserved and there is a small physicochemical difference between serine and asparagine. This variant has not been reported in the literature in individuals with POT1-related disease. In summary, the available evidence is currently insufficient to determine the role of this variant in disease. Therefore, it has been classified as a Variant of Uncertain Significance. Algorithms developed to predict the effect of missense changes on protein structure and function (SIFT, PolyPhen-2, Align-GVGD) all suggest that this variant is likely to be tolerated, but these predictions have not been confirmed by published functional studies and their clinical significance is uncertain.